The following is an entry in ClinVar:

NM_001330588.2(TPP2):c.1393+9G>A

Gene: TPP2 (tripeptidyl peptidase 2; plus strand). Cytogenetic location: 13q33.1.
Variant type: single nucleotide variant.
Coding change: c.1393+9G>A on transcript NM_001330588.2 (MANE Select); 9 bases into the intron after coding-DNA position 1393, G replaced by A.
Molecular consequence: intron variant.
Genome position (GRCh38, 1-based): chr13:102,634,107, G>A. VCF-style: chr13-102634107-G-A. GRCh37 (hg19) VCF-style: chr13-103286457-G-A.
Other names: p.?; c.1393+9G>A (LRG_1341t1, NM_003291.3, NM_001367947.1 and 1 more transcripts).
Identifiers: ClinVar variation 478051 (VCV000478051.16), dbSNP rs115050878, ClinGen allele CA7037717.
Genomic context (GRCh38, chr13:102,634,107, plus strand): 5'-ACATCTATGTCTTCCCCCAATGCATGTGGAGGCATTGCCCTGATCCTTTCAGGTAAGCGT[G>A]TTCTTTATTGTCCTTACATTATTGCAGACCAATATTTTTGTTTTCTGAAGCTCTCATGGT-3'

ClinVar aggregate classification (germline): Benign/Likely benign. Review status: criteria provided, multiple submitters, no conflicts (2 of 4 stars). 4 submissions from 4 submitters: Benign (1); Likely benign (2). 1 of the submissions does not count toward it. Last evaluated 2026-01-26.

Conditions:
Evans syndrome, immunodeficiency, and premature immunosenescence associated with tripeptidyl-peptidase II deficiency. Identifiers: MedGen CN231723. Disease mechanism: loss of function.
TPP2-related disorder. Also called: TPP2-related condition.

Allele frequency attached by ClinVar (database versions not stated): gnomAD exomes 0.00037 and 0.00094; ExAC 0.00119; gnomAD 0.00360 and 0.00392; TOPMed 0.00410; ESP Exome Variant Server 0.00431; 1000 Genomes Project 0.00439; 1000 Genomes Project 30x 0.00515.
gnomAD v4.1: 1,126 of 1,613,906 alleles (0.07%); highest among the groups gnomAD compares: African/African-American, 1.3%; 2 homozygotes.

Submissions (4):

Labcorp Genetics (formerly Invitae), Labcorp
Classification: Benign for Evans syndrome, immunodeficiency, and premature immunosenescence associated with tripeptidyl-peptidase II deficiency. Last evaluated: 2026-01-26. Review status: criteria provided, single submitter. Criteria: Invitae Variant Classification Sherloc (09022015). Collection method: clinical testing. Allele origin: germline.

Mayo Clinic Laboratories, Mayo Clinic
Classification: Likely benign. Last evaluated: 2025-11-19. Review status: criteria provided, single submitter. Criteria: ACMG Guidelines, 2015. Collection method: clinical testing. Allele origin: germline. Observed: 2 variant alleles.
Comment: BS1

Blueprint Genetics
Classification: Likely benign. Last evaluated: 2024-10-17. Review status: criteria provided, single submitter. Criteria: ACMG Guidelines, 2015. Collection method: clinical testing. Allele origin: germline.

PreventionGenetics, part of Exact Sciences
Classification: Benign for TPP2-related condition. Last evaluated: 2019-02-19. Review status: no assertion criteria provided. Collection method: clinical testing. Allele origin: germline. Not counted in ClinVar's aggregate classification.
Comment: This variant is classified as benign based on ACMG/AMP sequence variant interpretation guidelines (Richards et al. 2015 PMID: 25741868, with internal and published modifications).